The following is an entry in ClinVar:

ClinVar aggregate classification (germline): Uncertain significance (1 of 4 stars; one submission).

gnomAD v4.1: 3 of 1,610,798 alleles (0.00019%); highest among the groups gnomAD compares: East Asian, 0.0067%; no homozygotes.

Submission:

Ambry Genetics
Classification: Uncertain significance. Last evaluated: 2019-02-09. Review status: criteria provided, single submitter. Criteria: Ambry Variant Classification Scheme 2023. Collection method: clinical testing. Allele origin: germline.
Comment: The p.L207I variant (also known as c.619C>A), located in coding exon 8 of the KATNAL2 gene, results from a C to A substitution at nucleotide position 619. The leucine at codon 207 is replaced by isoleucine, an amino acid with highly similar properties. This amino acid position is highly conserved in available vertebrate species. In addition, this alteration is predicted to be deleterious by in silico analysis. Since supporting evidence is limited at this time, the clinical significance of this alteration remains unclear.

NM_001387690.1(KATNAL2):c.835C>A (p.Leu279Ile)

Gene: KATNAL2 (katanin catalytic subunit A1 like 2; plus strand). Cytogenetic location: 18q21.1.
Variant type: single nucleotide variant.
Coding change: c.835C>A on transcript NM_001387690.1 (MANE Select); coding-DNA position 835, C replaced by A.
Protein change: p.Leu279Ile; replaces leucine 279 with isoleucine.
Molecular consequence: missense variant. On other transcripts: non-coding transcript variant (1).
Genome position (GRCh38, 1-based): chr18:47,069,229, C>A. VCF-style: chr18-47069229-C-A. GRCh37 (hg19) VCF-style: chr18-44595600-C-A.
Other names: c.913C>A, p.Leu305Ile (NM_001353899.1); c.910C>A, p.Leu304Ile (NM_001353900.1); c.835C>A, p.Leu279Ile (NM_001353901.1, NM_001367621.1); c.814C>A, p.Leu272Ile (NM_001353902.1); c.502C>A, p.Leu168Ile (NM_001353903.1, NM_001353905.1, NM_001353906.1 and 1 more transcripts); c.403C>A, p.Leu135Ile (NM_001353904.1, NM_001353908.1, NM_001353909.1); c.619C>A, p.Leu207Ile (NM_031303.3); short protein forms L168I, L272I, L135I, L207I, L279I, L304I, L305I.
Identifiers: ClinVar variation 1752145 (VCV001752145.2), dbSNP rs200397515, ClinGen allele CA8955113.